The following is an entry in ClinVar:

NM_000260.4(MYO7A):c.4035C>G (p.Phe1345Leu)

Gene: MYO7A (myosin VIIA; plus strand). Cytogenetic location: 11q13.5.
Variant type: single nucleotide variant.
Coding change: c.4035C>G on transcript NM_000260.4 (MANE Select); coding-DNA position 4035, C replaced by G.
Protein change: p.Phe1345Leu; replaces phenylalanine 1345 with leucine.
Molecular consequence: missense variant.
Genome position (GRCh38, 1-based): chr11:77,192,161, C>G. VCF-style: chr11-77192161-C-G. GRCh37 (hg19) VCF-style: chr11-76903206-C-G.
Other names: c.4035C>G (NM_000260.3); c.4035C>G, p.Phe1345Leu (NM_001127180.2); c.4002C>G, p.Phe1334Leu (NM_001369365.1); short protein forms F1334L, F1345L.
Identifiers: ClinVar variation 991568 (VCV000991568.3), dbSNP rs1956138822, ClinGen allele CA381948805.
Genomic context (GRCh38, chr11:77,192,161, plus strand): 5'-GTGCGAGCAGTACGCCAAGGAGCAGGGCGCCCAGGAGCGCAACGCCCCCTGGAGGCTCTT[C>G]TTCCGCAAAGAGGTCTTCACGCCCTGGCACAGCCCCTCCGAGGACAACGTGGCCACCAAC-3'
Protein context (NP_000251.3, residues 1335-1355): AQERNAPWRL[Phe1345Leu]FRKEVFTPWH

ClinVar aggregate classification (germline): Uncertain significance. Review status: criteria provided, multiple submitters, no conflicts (2 of 4 stars). 3 submissions from 3 submitters: Uncertain significance (2). 1 of the submissions does not count toward it. Last evaluated 2025-08-02.

Conditions:
Inborn genetic diseases. Identifiers: MedGen C0950123, MeSH D030342.
Usher syndrome type 1B (USH1B). Also called: Usher syndrome type IB. Identifiers: MedGen C1848638, MONDO:0700087.

Allele frequency attached by ClinVar (database versions not stated): gnomAD exomes below 0.00001.
gnomAD v4.1: 1 of 1,614,026 alleles (0.000062%); highest among the groups gnomAD compares: South Asian, 0.0011%; no homozygotes.

Submissions (3):

Ambry Genetics
Classification: Uncertain significance for Inborn genetic diseases. Last evaluated: 2025-08-02. Review status: criteria provided, single submitter. Criteria: Ambry Variant Classification Scheme 2023. Collection method: clinical testing. Allele origin: germline.

Women's Health and Genetics/Laboratory Corporation of America, LabCorp
Classification: Uncertain significance. Last evaluated: 2025-05-13. Review status: criteria provided, single submitter. Criteria: LabCorp Variant Classification Summary - May 2015. Collection method: clinical testing. Allele origin: germline.
Comment: Variant summary: MYO7A c.4035C>G (p.Phe1345Leu) results in a non-conservative amino acid change in the encoded protein sequence. Algorithms developed to predict the effect of missense changes on protein structure and function all suggest that this variant is likely to be disruptive. The variant was absent in 249104 control chromosomes. The available data on variant occurrences in the general population are insufficient to allow any conclusion about variant significance. To our knowledge, no occurrence of c.4035C>G in individuals affected with Usher Syndrome and no experimental evidence demonstrating its impact on protein function have been reported. ClinVar contains an entry for this variant (Variation ID: 991568). Based on the evidence outlined above, the variant was classified as uncertain significance.

Natera, Inc.
Classification: Uncertain significance for Usher syndrome type 1B. Last evaluated: 2020-04-16. Review status: no assertion criteria provided. Collection method: clinical testing. Allele origin: germline. Not counted in ClinVar's aggregate classification.